The following is an entry in ClinVar:

NM_001042492.3(NF1):c.1063-1G>T

Gene: NF1 (neurofibromin 1; plus strand). Cytogenetic location: 17q11.2.
Variant type: single nucleotide variant.
Coding change: c.1063-1G>T on transcript NM_001042492.3 (MANE Select); the canonical splice acceptor site of the intron before coding-DNA position 1063, G replaced by T.
Molecular consequence: splice acceptor variant.
Genome position (GRCh38, 1-based): chr17:31,201,036, G>T. VCF-style: chr17-31201036-G-T. GRCh37 (hg19) VCF-style: chr17-29528054-G-T.
Other names: c.1063-1G>T (NM_000267.4, NM_001128147.3).
Identifiers: ClinVar variation 1456870 (VCV001456870.7), dbSNP rs1555610955, ClinGen allele CA398996658.

ClinVar aggregate classification (germline): Pathogenic. Review status: criteria provided, multiple submitters, no conflicts (2 of 4 stars). 2 submissions from 2 submitters: Pathogenic (2). Last evaluated 2025-11-17.

Conditions:
Neurofibromatosis, type 1 (NF1). Also called: Neurofibromatosis, type I; VON RECKLINGHAUSEN DISEASE; NEUROFIBROMATOSIS, TYPE I, SOMATIC; Peripheral type neurofibromatosis. Identifiers: Orphanet 636, MedGen C0027831, MONDO:0018975, OMIM 162200. Disease mechanism: loss of function.

Submissions (2):

Labcorp Genetics (formerly Invitae), Labcorp
Classification: Pathogenic for Neurofibromatosis, type 1. Last evaluated: 2025-11-17. Review status: criteria provided, single submitter. Criteria: Invitae Variant Classification Sherloc (09022015). Collection method: clinical testing. Allele origin: germline.
Comment: This sequence change affects an acceptor splice site in intron 9 of the NF1 gene. It is expected to disrupt RNA splicing. Variants that disrupt the donor or acceptor splice site typically lead to a loss of protein function (PMID: 16199547), and loss-of-function variants in NF1 are known to be pathogenic (PMID: 10712197, 23913538). This variant is not present in population databases (gnomAD no frequency). Disruption of this splice site has been observed in individual(s) with neurofibromatosis type I (PMID: 14722917, 18546366). Invitae Evidence Modeling of clinical and family history, age, sex, and reported ancestry of multiple individuals with this NF1 variant has been performed. This variant is expected to be pathogenic with a positive predictive value of at least 99%. This is a validated machine learning model that incorporates the clinical features of 1,785,918 individuals referred to our laboratory for NF1 testing. ClinVar contains an entry for this variant (Variation ID: 1456870). Algorithms developed to predict the effect of sequence changes on RNA splicing suggest that this variant may disrupt the consensus splice site. For these reasons, this variant has been classified as Pathogenic.

GeneDx
Classification: Pathogenic. Last evaluated: 2024-01-22. Review status: criteria provided, single submitter. Criteria: GeneDx Variant Classification Process June 2021. Collection method: clinical testing. Allele origin: germline. Affected: yes.
Comment: Canonical splice site variant predicted to result in an in-frame loss of the adjacent exon in a gene for which loss of function is a known mechanism of disease; Observed in a patient with clinical diagnosis or suspicion of NF1 (PMID: 18546366); Not observed at significant frequency in large population cohorts (gnomAD); Deletions involving coding exons of this gene are a known mechanism of disease (HGMD); This variant is associated with the following publications: (PMID: 25525159, 18546366, 10712197, 23913538, 14722917)

Literature cited by the submitters: PubMed 16199547 (cited by Labcorp Genetics (formerly Invitae), Labcorp); PubMed 10712197 (cited by Labcorp Genetics (formerly Invitae), Labcorp); PubMed 23913538 (cited by Labcorp Genetics (formerly Invitae), Labcorp); PubMed 14722917 (cited by Labcorp Genetics (formerly Invitae), Labcorp); PubMed 18546366 (cited by Labcorp Genetics (formerly Invitae), Labcorp).